The following is an entry in ClinVar:

ClinVar aggregate classification (germline): Uncertain significance. Review status: criteria provided, multiple submitters, no conflicts (2 of 4 stars). 2 submissions from 2 submitters: Uncertain significance (2). Last evaluated 2023-12-05.

Conditions:
Cardiomyopathy (CMYO). Also called: Cardiomyopathies. Identifiers: Orphanet 167848, MedGen C0878544, MONDO:0004994, HP:0001638. Inheritance: Various modes of inheritance.
Arrhythmogenic right ventricular dysplasia 5. Also called: Arrhythmogenic Right Ventricular Dysplasia/Cardiomyopathy 5; ARRHYTHMOGENIC RIGHT VENTRICULAR DYSPLASIA, FAMILIAL, 5. Identifiers: MedGen C1858379, MONDO:0011459, OMIM 604400.
Emery-Dreifuss muscular dystrophy 7, autosomal dominant (EDMD7). Also called: Emery-Dreifuss muscular dystrophy 7, AD. Identifiers: Orphanet 261, MedGen C3553060, MONDO:0013677, OMIM 614302.
Auditory neuropathy, autosomal dominant 3 (AUNA3). Identifiers: MedGen C5676964, MONDO:0859235, OMIM 619832.

Submissions (2):

Color Diagnostics, LLC DBA Color Health
Classification: Uncertain significance for Cardiomyopathy. Last evaluated: 2023-12-05. Review status: criteria provided, single submitter. Criteria: ACMG Guidelines, 2015. Collection method: clinical testing. Allele origin: germline.
Comment: This missense variant replaces arginine with tryptophan at codon 117 of the TMEM43 protein. Computational prediction tools and conservation analyses suggest that this variant may have deleterious impact on the protein function. Computational splicing tools suggest that this variant may not impact RNA splicing. To our knowledge, functional assays have not been performed for this variant nor has this variant been reported in individuals affected with cardiovascular disorders in the literature. This variant has not been identified in the general population by the Genome Aggregation Database (gnomAD). Available evidence is insufficient to determine the role of this variant in disease conclusively. Therefore, this variant is classified as a Variant of Uncertain Significance.

Fulgent Genetics
Classification: Uncertain significance for Arrhythmogenic right ventricular dysplasia 5; Emery-Dreifuss muscular dystrophy 7, autosomal dominant; Auditory neuropathy, autosomal dominant 3. Last evaluated: 2021-07-23. Review status: criteria provided, single submitter. Criteria: ACMG Guidelines, 2015. Collection method: clinical testing. Allele origin: unknown.

NM_024334.3(TMEM43):c.349A>T (p.Arg117Trp)

Gene: TMEM43 (transmembrane protein 43; plus strand). Cytogenetic location: 3p25.1.
Variant type: single nucleotide variant.
Coding change: c.349A>T on transcript NM_024334.3 (MANE Select); coding-DNA position 349, A replaced by T.
Protein change: p.Arg117Trp; replaces arginine 117 with tryptophan.
Molecular consequence: missense variant.
Genome position (GRCh38, 1-based): chr3:14,131,631, A>T. VCF-style: chr3-14131631-A-T. GRCh37 (hg19) VCF-style: chr3-14173131-A-T.
Other names: short protein forms R117W.
Identifiers: ClinVar variation 924202 (VCV000924202.6), dbSNP rs1695096953, ClinGen allele CA351534858.
Genomic context (GRCh38, chr3:14,131,631, plus strand): 5'-TGTTTGAAGCTTTTGTCTGATCCAAACTATGGGGTCCATCTTCCGGCTGTGAAACTGCGG[A>T]GGCACGTGGAGATGTACCAATGGGTAGAAACTGAGGAGTCCAGGTGAGCTGTTGGGGTGA-3'
Protein context (NP_077310.1, residues 107-127): GVHLPAVKLR[Arg117Trp]HVEMYQWVET